The following is an entry in ClinVar:

NC_000010.11:g.73912917C>G

Genes: C10orf55 (chromosome 10 putative open reading frame 55; minus strand), PLAU (plasminogen activator, urokinase; plus strand). Cytogenetic location: 10q22.2.
Variant type: single nucleotide variant.
Molecular consequence: intron variant (on NM_002658.6).
Genome position: GRCh38 VCF-style: chr10-73912917-C-G. GRCh37 (hg19) VCF-style: chr10-75672675-C-G.
Other names: NM_001001791.2:c.-41+126G>C; c.143-7C>G (NM_001145031.3); c.194-7C>G (NM_002658.6); c.-65-7C>G (NM_001319191.2).
Identifiers: ClinVar variation 3055508 (VCV003055508.2), dbSNP rs371765951, ClinGen allele CA5562359.

ClinVar aggregate classification (germline): Likely benign (0 of 4 stars; one submission).

Conditions:
C10orf55-related disorder. Also called: C10orf55-related condition.

Allele frequency attached by ClinVar (database versions not stated): ExAC 0.00007; TOPMed 0.00001; gnomAD exomes 0.00002; gnomAD 0.00002; ESP Exome Variant Server 0.00008.
gnomAD v4.1: 35 of 1,601,446 alleles (0.0022%); highest among the groups gnomAD compares: Non-Finnish European, 0.0026%; no homozygotes.

Submission:

PreventionGenetics, part of Exact Sciences
Classification: Likely benign for C10orf55-related condition. Last evaluated: 2023-05-31. Review status: no assertion criteria provided. Collection method: clinical testing. Allele origin: germline.
Comment: This variant is classified as likely benign based on ACMG/AMP sequence variant interpretation guidelines (Richards et al. 2015 PMID: 25741868, with internal and published modifications).